The following is an entry in ClinVar:

NM_006017.3(PROM1):c.1911+8G>A

Gene: PROM1 (prominin 1; minus strand). Cytogenetic location: 4p15.32.
Variant type: single nucleotide variant.
Coding change: c.1911+8G>A on transcript NM_006017.3 (MANE Select); 8 bases into the intron after coding-DNA position 1911, G replaced by A.
Molecular consequence: intron variant.
Genome position (GRCh38, 1-based): chr4:15,992,240, C>T on the plus strand (G>A on the coding strand, the complement: PROM1 is on the minus strand). VCF-style: chr4-15992240-C-T. GRCh37 (hg19) VCF-style: chr4-15993863-C-T.
Other names: c.1884+8G>A (NM_001145848.2, NM_001145852.2, NM_001145847.2 and 4 more transcripts); c.1911+8G>A (NM_001145850.2, NM_001145849.2).
Identifiers: ClinVar variation 636187 (VCV000636187.15), dbSNP rs370302107, ClinGen allele CA2866608.

ClinVar aggregate classification (germline): Conflicting classifications of pathogenicity. Review status: criteria provided, conflicting classifications (1 of 4 stars). 7 submissions from 4 submitters: Uncertain significance (2); Benign (2); Likely benign (2). 1 of the submissions does not count toward it. Last evaluated 2025-12-03.

Conditions:
Retinitis pigmentosa (RP). Identifiers: Orphanet 791, MedGen C0035334, MeSH D012174, MONDO:0019200, OMIM 268000. Inheritance: Autosomal dominant, autosomal recessive and X linked inheritance.
Stargardt disease 4 (STGD4). Identifiers: Orphanet 827, MedGen C1863534, MONDO:0011370, OMIM 603786.
Retinal macular dystrophy type 2 (MCDR2). Also called: Bull's eye macular dystrophy. Identifiers: Orphanet 319640, MedGen C4749334, MONDO:0011957, OMIM 608051.
Cone-rod dystrophy 12 (CORD12). Identifiers: Orphanet 1872, MedGen C2675210, MONDO:0012983, OMIM 612657.

Allele frequency attached by ClinVar (database versions not stated): ExAC 0.00030; gnomAD 0.00033 and 0.00035; gnomAD exomes 0.00037 and 0.00042; ESP Exome Variant Server 0.00042; TOPMed 0.00042.
gnomAD v4.1: 690 of 1,613,662 alleles (0.043%); highest among the groups gnomAD compares: East Asian, 0.12%; no homozygotes.

Submissions (7):

Labcorp Genetics (formerly Invitae), Labcorp
Classification: Benign. Last evaluated: 2025-12-03. Review status: criteria provided, single submitter. Criteria: Invitae Variant Classification Sherloc (09022015). Collection method: clinical testing. Allele origin: germline.

Blueprint Genetics
Classification: Likely benign. Last evaluated: 2024-08-27. Review status: criteria provided, single submitter. Criteria: ACMG Guidelines, 2015. Collection method: clinical testing. Allele origin: germline.

Illumina Laboratory Services, Illumina
Classification: Uncertain significance for Retinitis pigmentosa. Last evaluated: 2018-01-13. Review status: criteria provided, single submitter. Criteria: ICSL Variant Classification Criteria 13 December 2019. Collection method: clinical testing. Allele origin: germline.

Illumina Laboratory Services, Illumina
Classification: Benign for Cone-rod dystrophy 12. Last evaluated: 2018-01-13. Review status: criteria provided, single submitter. Criteria: ICSL Variant Classification Criteria 13 December 2019. Collection method: clinical testing. Allele origin: germline.
Comment: This variant was observed in the ICSL laboratory as part of a predisposition screen in an ostensibly healthy population. It had not been previously curated by ICSL or reported in the Human Gene Mutation Database (HGMD: prior to June 1st, 2018), and was therefore a candidate for classification through an automated scoring system. Utilizing variant allele frequency, disease prevalence and penetrance estimates, and inheritance mode, an automated score was calculated to assess if this variant is too frequent to cause the disease. Based on the score and internal cut-off values, a variant classified as benign is not then subjected to further curation. The score for this variant resulted in a classification of benign for this disease.

Illumina Laboratory Services, Illumina
Classification: Likely benign for Stargardt disease 4. Last evaluated: 2018-01-13. Review status: criteria provided, single submitter. Criteria: ICSL Variant Classification Criteria 13 December 2019. Collection method: clinical testing. Allele origin: germline.
Comment: This variant was observed in the ICSL laboratory as part of a predisposition screen in an ostensibly healthy population. It had not been previously curated by ICSL or reported in the Human Gene Mutation Database (HGMD: prior to June 1st, 2018), and was therefore a candidate for classification through an automated scoring system. Utilizing variant allele frequency, disease prevalence and penetrance estimates, and inheritance mode, an automated score was calculated to assess if this variant is too frequent to cause the disease. Based on the score and internal cut-off values, a variant classified as likely benign is not then subjected to further curation. The score for this variant resulted in a classification of likely benign for this disease.

Illumina Laboratory Services, Illumina
Classification: Uncertain significance for Retinal macular dystrophy type 2. Last evaluated: 2018-01-13. Review status: criteria provided, single submitter. Criteria: ICSL Variant Classification Criteria 13 December 2019. Collection method: clinical testing. Allele origin: germline.

Department of Clinical Genetics, Copenhagen University Hospital, Rigshospitalet
Classification: Uncertain significance for Retinitis pigmentosa. Last evaluated: 2018-04-01. Review status: no assertion criteria provided. Collection method: research. Allele origin: unknown. Affected: yes. Study: VeluxRD. Not counted in ClinVar's aggregate classification.

Literature cited by the submitters: PubMed 30718709 (cited by Department of Clinical Genetics, Copenhagen University Hospital, Rigshospitalet).